The following is an entry in ClinVar:

NM_031935.3(HMCN1):c.8599G>A (p.Val2867Met)

Gene: HMCN1 (hemicentin 1; plus strand). Cytogenetic location: 1q31.1.
Variant type: single nucleotide variant.
Coding change: c.8599G>A on transcript NM_031935.3 (MANE Select); coding-DNA position 8599, G replaced by A.
Protein change: p.Val2867Met; replaces valine 2867 with methionine.
Molecular consequence: missense variant.
Genome position (GRCh38, 1-based): chr1:186,078,220, G>A. VCF-style: chr1-186078220-G-A. GRCh37 (hg19) VCF-style: chr1-186047352-G-A.
Other names: short protein forms V2867M.
Identifiers: ClinVar variation 3665782 (VCV003665782.2).

ClinVar aggregate classification (germline): Uncertain significance (1 of 4 stars; one submission).

gnomAD v4.1: 10 of 1,596,912 alleles (0.00063%); highest among the groups gnomAD compares: African/African-American, 0.0027%; no homozygotes.

Submission:

Labcorp Genetics (formerly Invitae), Labcorp
Classification: Uncertain significance. Last evaluated: 2024-06-23. Review status: criteria provided, single submitter. Criteria: Invitae Variant Classification Sherloc (09022015). Collection method: clinical testing. Allele origin: germline.
Comment: This sequence change replaces valine, which is neutral and non-polar, with methionine, which is neutral and non-polar, at codon 2867 of the HMCN1 protein (p.Val2867Met). This variant also falls at the last nucleotide of exon 55, which is part of the consensus splice site for this exon. The frequency data for this variant in the population databases is considered unreliable, as metrics indicate poor data quality at this position in the gnomAD database. This variant has not been reported in the literature in individuals affected with HMCN1-related conditions. An algorithm developed to predict the effect of missense changes on protein structure and function (PolyPhen-2) suggests that this variant is likely to be tolerated. Variants that disrupt the consensus splice site are a relatively common cause of aberrant splicing (PMID: 17576681, 9536098). In summary, the available evidence is currently insufficient to determine the role of this variant in disease. Therefore, it has been classified as a Variant of Uncertain Significance.

Literature cited by the submitters: PubMed 17576681; PubMed 9536098.